The following is an entry in ClinVar:

ClinVar aggregate classification (germline): Pathogenic (3 of 4 stars; one submission).

Conditions:
Breast-ovarian cancer, familial, susceptibility to, 1 (BROVCA1). Also called: BRCA1 Hereditary Breast and Ovarian Cancer; OVARIAN CANCER, SUSCEPTIBILITY TO. Identifiers: Orphanet 145, MedGen C2676676, MONDO:0011450, OMIM 604370. Disease mechanism: loss of function.

Submission:

Evidence-based Network for the Interpretation of Germline Mutant Alleles (ENIGMA)
Classification: Pathogenic for Breast-ovarian cancer, familial, susceptibility to, 1. Last evaluated: 2016-09-08. Review status: reviewed by expert panel. Criteria: ENIGMA BRCA1/2 Classification Criteria (2015). Collection method: curation. Allele origin: germline.
Comment: Variant allele predicted to encode a truncated non-functional protein.

NM_007294.4(BRCA1):c.3458_3462del (p.Leu1153fs)

Genes: BRCA1 (BRCA1 DNA repair associated; minus strand), LOC126862571 (BRD4-independent group 4 enhancer GRCh37_chr17:41243136-41244335; plus strand). Cytogenetic location: 17q21.31.
Variant type: Deletion.
Coding change: c.3458_3462del on transcript NM_007294.4 (MANE Select); coding-DNA positions 3458 to 3462, 5 bases deleted (TGTTA; older notation c.3458_3462delTGTTA).
Protein change: p.Leu1153fs; shifts the reading frame from leucine 1153.
Molecular consequence: frameshift variant. On other transcripts: intron variant (135).
Genome position (GRCh38, 1-based): chr17:43,092,069-43,092,073, TAACA deleted on the plus strand (TGTTA on the coding strand, the reverse complement: BRCA1 is on the minus strand). VCF-style (leftmost placement, unchanged base first): chr17-43092068-CTAACA-C. GRCh37 (hg19) VCF-style: chr17-41244085-CTAACA-C.
Other names: c.707-1041_707-1037del (NM_001408413.1, NM_001408416.1); c.587-1041_587-1037del (NM_001408476.1, NM_001408474.1); c.710-1041_710-1037del (NM_001408409.1, NM_001408414.1, NM_001408411.1 and 2 more transcripts); c.575-1041_575-1037del (NM_001408493.1, NM_001408490.1, NM_001408491.1); c.455-1041_455-1037del (NM_001408502.1); c.578-1041_578-1037del (NM_001408489.1, NM_001408479.1, NM_001408482.1 and 9 more transcripts); c.662-1041_662-1037del (NM_001408445.1, NM_001408432.1, NM_001408450.1 and 6 more transcripts); c.668-1041_668-1037del (NM_001408431.1, NM_001408424.1, NM_001408421.1); and 41 more; short protein forms L1153fs, L1106fs, L1025fs, L1065fs, L285fs, L1041fs, L1083fs, L1086fs.
Identifiers: ClinVar variation 254429 (VCV000254429.3), dbSNP rs886038014, ClinGen allele CA10586629.